The following is an entry in ClinVar:

ClinVar aggregate classification (germline): Uncertain significance. Review status: criteria provided, multiple submitters, no conflicts (2 of 4 stars). 3 submissions from 3 submitters: Uncertain significance (3). Last evaluated 2026-05-07.

Conditions:
INPP5E-related disorder. Also called: INPP5E-related condition.
Inborn genetic diseases. Identifiers: MedGen C0950123, MeSH D030342.
Joubert syndrome. Also called: Familial aplasia of the vermis; JOUBERT-BOLTSHAUSER SYNDROME. Identifiers: Orphanet 475, MedGen C5979921, MONDO:0018772.

Allele frequency attached by ClinVar (database versions not stated): gnomAD 0.00001; TOPMed 0.00001.
gnomAD v4.1: 8 of 1,596,236 alleles (0.0005%); highest among the groups gnomAD compares: Admixed American, 0.012%; no homozygotes.

Submissions (3):

PreventionGenetics, part of Exact Sciences
Classification: Uncertain significance for INPP5E-related condition. Last evaluated: 2026-05-07. Review status: criteria provided, single submitter. Criteria: ACMG Guidelines, 2015. Collection method: clinical testing. Allele origin: germline.
Comment: The INPP5E c.739G>T variant is predicted to result in the amino acid substitution p.Asp247Tyr. To our knowledge, this variant has not been reported in the literature. This variant is reported in 0.019% of alleles in individuals of Latino descent in gnomAD. At this time, the clinical significance of this variant is uncertain due to the absence of conclusive functional and genetic evidence.

Labcorp Genetics (formerly Invitae), Labcorp
Classification: Uncertain significance for Joubert syndrome. Last evaluated: 2022-06-20. Review status: criteria provided, single submitter. Criteria: Invitae Variant Classification Sherloc (09022015). Collection method: clinical testing. Allele origin: germline.
Comment: In summary, the available evidence is currently insufficient to determine the role of this variant in disease. Therefore, it has been classified as a Variant of Uncertain Significance. This sequence change replaces aspartic acid, which is acidic and polar, with tyrosine, which is neutral and polar, at codon 247 of the INPP5E protein (p.Asp247Tyr). Advanced modeling of protein sequence and biophysical properties (such as structural, functional, and spatial information, amino acid conservation, physicochemical variation, residue mobility, and thermodynamic stability) performed at Invitae indicates that this missense variant is not expected to disrupt INPP5E protein function. ClinVar contains an entry for this variant (Variation ID: 968640). This variant has not been reported in the literature in individuals affected with INPP5E-related conditions. The frequency data for this variant in the population databases is considered unreliable, as metrics indicate poor data quality at this position in the gnomAD database.

Ambry Genetics
Classification: Uncertain significance for Inborn genetic diseases. Last evaluated: 2022-01-19. Review status: criteria provided, single submitter. Criteria: Ambry Variant Classification Scheme 2023. Collection method: clinical testing. Allele origin: germline.

NM_019892.6(INPP5E):c.739G>T (p.Asp247Tyr)

Gene: INPP5E (inositol polyphosphate-5-phosphatase E; minus strand). Cytogenetic location: 9q34.3.
Variant type: single nucleotide variant.
Coding change: c.739G>T on transcript NM_019892.6 (MANE Select); coding-DNA position 739, G replaced by T.
Protein change: p.Asp247Tyr; replaces aspartic acid 247 with tyrosine.
Molecular consequence: missense variant.
Genome position (GRCh38, 1-based): chr9:136,438,681, C>A on the plus strand (G>T on the coding strand, the complement: INPP5E is on the minus strand). VCF-style: chr9-136438681-C-A. GRCh37 (hg19) VCF-style: chr9-139333133-C-A.
Other names: c.739G>T (NM_019892.5); c.739G>T, p.Asp247Tyr (NM_001318502.2); short protein forms D247Y.
Identifiers: ClinVar variation 968640 (VCV000968640.11), dbSNP rs749897420, ClinGen allele CA5337093.